The following is an entry in ClinVar:

ClinVar aggregate classification (germline): Uncertain significance (1 of 4 stars; one submission).

Conditions:
Hereditary breast ovarian cancer syndrome. Also called: Hereditary breast and ovarian cancer syndrome (HBOC); Hereditary breast and ovarian cancer; Breast and ovarian cancer; Hereditary breast and/or ovarian cancer syndrome; BRCA1- and BRCA2-Associated Hereditary Breast and Ovarian Cancer; Hereditary breast and ovarian cancer syndrome. Identifiers: Orphanet 145, MedGen C0677776, MeSH D061325, MONDO:0003582. Disease mechanism: loss of function.

gnomAD v4.1: 1 of 1,613,264 alleles (0.000062%); highest among the groups gnomAD compares: East Asian, 0.0022%; no homozygotes.

Submission:

Labcorp Genetics (formerly Invitae), Labcorp
Classification: Uncertain significance for Hereditary breast ovarian cancer syndrome. Last evaluated: 2025-03-03. Review status: criteria provided, single submitter. Criteria: Invitae Variant Classification Sherloc (09022015). Collection method: clinical testing. Allele origin: germline.
Comment: This sequence change replaces leucine, which is neutral and non-polar, with proline, which is neutral and non-polar, at codon 1545 of the BRCA2 protein (p.Leu1545Pro). This variant is present in population databases (no rsID available, gnomAD 0.006%). This variant has not been reported in the literature in individuals affected with BRCA2-related conditions. Invitae Evidence Modeling of protein sequence and biophysical properties (such as structural, functional, and spatial information, amino acid conservation, physicochemical variation, residue mobility, and thermodynamic stability) indicates that this missense variant is not expected to disrupt BRCA2 protein function with a negative predictive value of 95%. In summary, the available evidence is currently insufficient to determine the role of this variant in disease. Therefore, it has been classified as a Variant of Uncertain Significance.

NM_000059.4(BRCA2):c.4634T>C (p.Leu1545Pro)

Gene: BRCA2 (BRCA2 DNA repair associated; plus strand). Cytogenetic location: 13q13.1.
Variant type: single nucleotide variant.
Coding change: c.4634T>C on transcript NM_000059.4 (MANE Select); coding-DNA position 4634, T replaced by C.
Protein change: p.Leu1545Pro; replaces leucine 1545 with proline.
Molecular consequence: missense variant. On other transcripts: non-coding transcript variant (1), intron variant (2).
Genome position (GRCh38, 1-based): chr13:32,338,989, T>C. VCF-style: chr13-32338989-T-C. GRCh37 (hg19) VCF-style: chr13-32913126-T-C.
Other names: c.4634T>C, p.Leu1545Pro (NM_001406719.1, NM_001406720.1, NM_001432077.1); c.1910-5569T>C (NM_001406721.1); c.425-5569T>C (NM_001406722.1); short protein forms L1545P.
Identifiers: ClinVar variation 4802306 (VCV004802306.1).
Genomic context (GRCh38, chr13:32,338,989, plus strand): 5'-ATACAGCTAGCGGGAAAAAAGTTAAAATTGCAAAGGAATCTTTGGACAAAGTGAAAAACC[T>C]TTTTGATGAAAAAGAGCAAGGTACTAGTGAAATCACCAGTTTTAGCCATCAATGGGCAAA-3'
Protein context (NP_000050.3, residues 1535-1555): AKESLDKVKN[Leu1545Pro]FDEKEQGTSE